The following is an entry in ClinVar:

NM_000384.3(APOB):c.1648G>C (p.Asp550His)

Gene: APOB (apolipoprotein B; minus strand). Cytogenetic location: 2p24.1.
Variant type: single nucleotide variant.
Coding change: c.1648G>C on transcript NM_000384.3 (MANE Select); coding-DNA position 1648, G replaced by C.
Protein change: p.Asp550His; replaces aspartic acid 550 with histidine.
Molecular consequence: missense variant.
Genome position (GRCh38, 1-based): chr2:21,028,508, C>G on the plus strand (G>C on the coding strand, the complement: APOB is on the minus strand). VCF-style: chr2-21028508-C-G. GRCh37 (hg19) VCF-style: chr2-21251380-C-G.
Other names: short protein forms D550H.
Identifiers: ClinVar variation 375860 (VCV000375860.26), dbSNP rs145862664, ClinGen allele CA054315.

ClinVar aggregate classification (germline): Conflicting classifications of pathogenicity. Review status: criteria provided, conflicting classifications (1 of 4 stars). 8 submissions from 7 submitters: Uncertain significance (2); Likely benign (5). 1 of the submissions does not count toward it. Last evaluated 2025-12-10.

Conditions:
APOB-related disorder. Also called: APOB-related disorders; APOB-related condition.
Hypercholesterolemia, autosomal dominant, type B (FHCL2). Also called: APOLIPOPROTEIN B-100, FAMILIAL DEFECTIVE; APOLIPOPROTEIN B-100, FAMILIAL LIGAND-DEFECTIVE; Hyperlipoproteinemia Type IIb; APOB-Related Familial Hypercholesterolemia, Autosomal Dominant; Familial Hypercholesterolemia Type B; Familial hypercholesterolemia 2. Identifiers: MedGen C1704417, MONDO:0007751, OMIM 144010.
Hypercholesterolemia. Also called: Primary hypercholesterolemia; Hypercholesterolaemia. Identifiers: MedGen C0020443, MeSH D006937, HP:0003124.
Familial hypobetalipoproteinemia 1. Also called: Hypobetalipoproteinemia, normotriglyceridemic; Acanthocytosis with hypobetalipoproteinemia; APOB-Related Familial Hypobetalipoproteinemia. Identifiers: MedGen C4551990, MONDO:0014252, OMIM 615558.
Cardiovascular phenotype. Identifiers: MedGen CN230736.

Allele frequency attached by ClinVar (database versions not stated): gnomAD 0.00006 and 0.00021; TOPMed 0.00007; gnomAD exomes 0.00016 and 0.00048; ExAC 0.00022; 1000 Genomes Project 30x 0.00047; 1000 Genomes Project 0.00060.
gnomAD v4.1: 706 of 1,613,450 alleles (0.044%); highest among the groups gnomAD compares: East Asian, 1.6%; 12 homozygotes.

Submissions (8):

PreventionGenetics, part of Exact Sciences
Classification: Likely benign for APOB-related condition. Last evaluated: 2025-12-10. Review status: criteria provided, single submitter. Criteria: ACMG Guidelines, 2015. Collection method: clinical testing. Allele origin: germline.
Comment: This variant is classified as likely benign based on ACMG/AMP sequence variant interpretation guidelines (Richards et al. 2015 PMID: 25741868, with internal and published modifications).

Labcorp Genetics (formerly Invitae), Labcorp
Classification: Likely benign for Familial hypobetalipoproteinemia 1; Hypercholesterolemia, autosomal dominant, type B. Last evaluated: 2025-10-07. Review status: criteria provided, single submitter. Criteria: Invitae Variant Classification Sherloc (09022015). Collection method: clinical testing. Allele origin: germline.

ARUP Laboratories, Molecular Genetics and Genomics, ARUP Laboratories
Classification: Likely benign. Last evaluated: 2025-01-30. Review status: criteria provided, single submitter. Criteria: ARUP Molecular Germline Variant Investigation Process 2024. Collection method: clinical testing. Allele origin: germline.

Ambry Genetics
Classification: Likely benign for Cardiovascular phenotype. Last evaluated: 2024-10-19. Review status: criteria provided, single submitter. Criteria: Ambry Variant Classification Scheme 2023. Collection method: clinical testing. Allele origin: germline.

GeneDx
Classification: Likely benign. Last evaluated: 2020-01-21. Review status: criteria provided, single submitter. Criteria: GeneDx Variant Classification Process June 2021. Collection method: clinical testing. Allele origin: germline. Affected: yes.
Comment: Has not been previously published as pathogenic or benign to our knowledge; Reported in ClinVar as a likely benign variant (ClinVar Variant ID# 375860; Landrum et al., 2016); In silico analysis, which includes protein predictors and evolutionary conservation, supports a deleterious effect

Illumina Laboratory Services, Illumina
Classification: Uncertain significance for Hypercholesterolemia, autosomal dominant, type B. Last evaluated: 2017-04-27. Review status: criteria provided, single submitter. Criteria: ICSL Variant Classification Criteria 13 December 2019. Collection method: clinical testing. Allele origin: germline.

Illumina Laboratory Services, Illumina
Classification: Uncertain significance for Familial hypobetalipoproteinemia 1. Last evaluated: 2017-04-27. Review status: criteria provided, single submitter. Criteria: ICSL Variant Classification Criteria 13 December 2019. Collection method: clinical testing. Allele origin: germline.

CSER _CC_NCGL, University of Washington
Classification: Likely benign for Hypercholesterolemia. Last evaluated: 2016-08-01. Review status: no assertion criteria provided. Collection method: research. Allele origin: germline. Inheritance: Autosomal dominant inheritance. Study: CSER - NEXT Medicine variant annotation. Not counted in ClinVar's aggregate classification.

Literature cited by the submitters: PubMed 32115487 (cited by Ambry Genetics); PubMed 33020668 (cited by Ambry Genetics).